The following is an entry in ClinVar:

ClinVar aggregate classification (germline): Pathogenic. Review status: criteria provided, multiple submitters, no conflicts (2 of 4 stars). 2 submissions from 2 submitters: Pathogenic (2). Last evaluated 2024-03-07.

Conditions:
Microcephaly, normal intelligence and immunodeficiency (NBS). Also called: IMMUNODEFICIENCY, MICROCEPHALY, AND CHROMOSOMAL INSTABILITY; SEEMANOVA SYNDROME II; Nijmegen breakage syndrome; Microcephaly with normal intelligence immunodeficiency and lymphoreticular malignancies; Nonsyndromal microcephaly autosomal recessive with normal intelligence; Seemanova syndrome 2. Identifiers: Orphanet 647, MedGen C0398791, MONDO:0009623, OMIM 251260.

Submissions (2):

Myriad Genetics, Inc.
Classification: Pathogenic for Microcephaly, normal intelligence and immunodeficiency. Last evaluated: 2024-03-07. Review status: criteria provided, single submitter. Criteria: Myriad Autosomal Dominant, Autosomal Recessive and X-Linked Classification Criteria (2023). Collection method: clinical testing. Allele origin: unknown.
Comment: NM_002485.4(NBN):c.855T>A(C285*) is expected to be pathogenic in the context of Nijmegen breakage syndrome. This variant is predicted to lead to an abnormal or absent protein product due to the creation of a premature termination codon in NBN, a gene where loss-of-function variants are known to be pathogenic. Please note: this variant was assessed in the context of healthy population screening.

Labcorp Genetics (formerly Invitae), Labcorp
Classification: Pathogenic for Microcephaly, normal intelligence and immunodeficiency. Last evaluated: 2022-03-30. Review status: criteria provided, single submitter. Criteria: Invitae Variant Classification Sherloc (09022015). Collection method: clinical testing. Allele origin: germline.
Comment: This sequence change creates a premature translational stop signal (p.Cys285*) in the NBN gene. It is expected to result in an absent or disrupted protein product. Loss-of-function variants in NBN are known to be pathogenic (PMID: 9590180, 16415040). This variant is not present in population databases (gnomAD no frequency). This variant has not been reported in the literature in individuals affected with NBN-related conditions. For these reasons, this variant has been classified as Pathogenic.

Literature cited by the submitters: PubMed 9590180 (cited by Labcorp Genetics (formerly Invitae), Labcorp); PubMed 16415040 (cited by Labcorp Genetics (formerly Invitae), Labcorp).

NM_002485.5(NBN):c.855T>A (p.Cys285Ter)

Gene: NBN (nibrin; minus strand). Cytogenetic location: 8q21.3.
Variant type: single nucleotide variant.
Coding change: c.855T>A on transcript NM_002485.5 (MANE Select); coding-DNA position 855, T replaced by A.
Protein change: p.Cys285Ter; replaces cysteine 285 with a stop codon.
Molecular consequence: nonsense.
Genome position (GRCh38, 1-based): chr8:89,970,405, A>T on the plus strand (T>A on the coding strand, the complement: NBN is on the minus strand). VCF-style: chr8-89970405-A-T. GRCh37 (hg19) VCF-style: chr8-90982633-A-T.
Other names: c.609T>A, p.Cys203Ter (NM_001024688.3); short protein forms C285*, C203*.
Identifiers: ClinVar variation 2108588 (VCV002108588.5), dbSNP rs2129827835, ClinGen allele CA371658374.
Genomic context (GRCh38, chr8:89,970,405, plus strand): 5'-ATAAAGAATAATTCTATACCTTTGGAGCATATCCATTATTGACTGAATCCATTTCTTCTG[A>T]CAGTCAGGAATTAAGGTCTGTGAGTTTGTTATTCCTGTATCAACAACACACGTTCCCGGA-3'